The following is an entry in ClinVar:

ClinVar aggregate classification (germline): Uncertain significance (1 of 4 stars; one submission).

Conditions:
Hypoproteinemia, hypercatabolic (IMD43). Also called: BETA-2-MICROGLOBULIN DEFICIENCY; B2M DEFICIENCY; MHC CLASS I DEFICIENCY 4; IMMUNODEFICIENCY 43. Identifiers: MedGen C1855796, MONDO:0009434, OMIM 241600.

Allele frequency attached by ClinVar (database versions not stated): gnomAD exomes below 0.00001; TOPMed below 0.00001.
gnomAD v4.1: 3 of 1,614,212 alleles (0.00019%); highest among the groups gnomAD compares: Middle Eastern, 0.016%; no homozygotes.

Submission:

Labcorp Genetics (formerly Invitae), Labcorp
Classification: Uncertain significance for Hypoproteinemia, hypercatabolic. Last evaluated: 2022-08-23. Review status: criteria provided, single submitter. Criteria: Invitae Variant Classification Sherloc (09022015). Collection method: clinical testing. Allele origin: germline.
Comment: This sequence change replaces valine, which is neutral and non-polar, with methionine, which is neutral and non-polar, at codon 105 of the B2M protein (p.Val105Met). This variant is not present in population databases (gnomAD no frequency). This variant has not been reported in the literature in individuals affected with B2M-related conditions. ClinVar contains an entry for this variant (Variation ID: 1494121). Algorithms developed to predict the effect of missense changes on protein structure and function (SIFT, PolyPhen-2, Align-GVGD) all suggest that this variant is likely to be tolerated. In summary, the available evidence is currently insufficient to determine the role of this variant in disease. Therefore, it has been classified as a Variant of Uncertain Significance.

NM_004048.4(B2M):c.313G>A (p.Val105Met)

Gene: B2M (beta-2-microglobulin; plus strand). Cytogenetic location: 15q21.1.
Variant type: single nucleotide variant.
Coding change: c.313G>A on transcript NM_004048.4 (MANE Select); coding-DNA position 313, G replaced by A.
Protein change: p.Val105Met; replaces valine 105 with methionine.
Molecular consequence: missense variant.
Genome position (GRCh38, 1-based): chr15:44,715,668, G>A. VCF-style: chr15-44715668-G-A. GRCh37 (hg19) VCF-style: chr15-45007866-G-A.
Other names: short protein forms V105M.
Identifiers: ClinVar variation 1494121 (VCV001494121.8), dbSNP rs2086933060, ClinGen allele CA392233762.